The following is an entry in ClinVar:

ClinVar aggregate classification (germline): Uncertain significance (1 of 4 stars; one submission).

Conditions:
Popov-Chang syndrome (POPCHAS). Also called: NEURODEVELOPMENTAL DISORDER WITH IMPAIRED SPEECH AND DYSMORPHIC FACIAL FEATURES. Identifiers: MedGen C6065892, MONDO:0979865, OMIM 618428.

Submission:

Institute of Medical Genetics, University of Zurich
Classification: Uncertain significance for Popov-Chang syndrome. Last evaluated: 2021-10-25. Review status: criteria provided, single submitter. Criteria: ACMG Guidelines, 2015. Collection method: clinical testing. Allele origin: de novo. Inheritance: Autosomal dominant inheritance. Observed: 1 variant allele.
Comment: The missense variant c.665G>C (p.(Arg222Thr)) in the YWHAZ gene (NM_001135699.2) results in the substitution of a highly conserved amino acid residue. Multiple computational prediction tools support a deleterious effect on protein function. Pathogenic variants in YWHAZ have been associated with autosomal dominant cardiofaciocutaneous syndrome (CFC syndrome), a RASopathy resulting from dysregulation of the RAS/MAPK signaling pathway (PMID: 31024343; GeneReviews, 2026; OMIM phenotype: Popov-Chang syndrome, OMIM #618428). Only a limited number of affected individuals have been reported to date. Published cases suggest that individuals carrying pathogenic missense variants present with a more severe phenotype than those with truncating variants, although the number of reported patients remains limited. Functional studies of the nearby pathogenic p.(Ser230Trp) variant demonstrated increased RAF-ERK signaling, supporting dysregulation of the RAS/MAPK pathway as the underlying disease mechanism (PMID: 31024343). The present c.665G>C (p(Arg222Thr)) variant is absent from population databases (gnomAD 4.1.1) and, to our knowledge, has not been reported in literature. Segregation analysis demonstrated absence of the variant in both parents (confirmed parentage), consistent with a confirmed de novo event. In absence of additional supporting evidence for pathogenicity, this variant is classified as Variant of Uncertain Significance (VUS).

Literature cited by the submitters: PubMed 31024343.

NM_145690.3(YWHAZ):c.665G>C (p.Arg222Thr)

Gene: YWHAZ (tyrosine 3-monooxygenase/tryptophan 5-monooxygenase activation protein zeta; minus strand). Cytogenetic location: 8q22.3.
Variant type: single nucleotide variant.
Coding change: c.665G>C on transcript NM_145690.3 (MANE Select); coding-DNA position 665, G replaced by C.
Protein change: p.Arg222Thr; replaces arginine 222 with threonine.
Molecular consequence: missense variant.
Genome position (GRCh38, 1-based): chr8:100,923,968, C>G on the plus strand (G>C on the coding strand, the complement: YWHAZ is on the minus strand). VCF-style: chr8-100923968-C-G. GRCh37 (hg19) VCF-style: chr8-101936196-C-G.
Other names: c.665G>C, p.Arg222Thr (NM_001135699.2, NM_001135700.2, NM_001135701.2 and 2 more transcripts); short protein forms R222T.
Identifiers: ClinVar variation 4884426 (VCV004884426.1).